The following is an entry in ClinVar:

NM_001379200.1(TBX1):c.277_278delinsAA (p.Ala93Asn)

Gene: TBX1 (T-box transcription factor 1; plus strand). Cytogenetic location: 22q11.21.
Variant type: Indel.
Coding change: c.277_278delinsAA on transcript NM_001379200.1 (MANE Select); coding-DNA positions 277 to 278, GC replaced by AA.
Protein change: p.Ala93Asn; replaces alanine 93 with asparagine.
Molecular consequence: missense variant.
Genome position (GRCh38, 1-based): chr22:19,761,120-19,761,121, GC replaced by AA. VCF-style: chr22-19761120-GC-AA. GRCh37 (hg19) VCF-style: chr22-19748643-GC-AA.
Other names: c.250_251delinsAA, p.Ala84Asn (NM_005992.1, NM_080646.2, NM_080647.1); short protein forms A84N, A93N.
Identifiers: ClinVar variation 1718251 (VCV001718251.5), dbSNP rs2517842440, ClinGen allele CA2580099110.

ClinVar aggregate classification (germline): Uncertain significance (1 of 4 stars; one submission).

Conditions:
DiGeorge syndrome. Also called: THIRD AND FOURTH PHARYNGEAL POUCH SYNDROME; Catch22. Identifiers: Orphanet 567, MedGen C0012236, MONDO:0008564, OMIM 188400.

Submission:

Labcorp Genetics (formerly Invitae), Labcorp
Classification: Uncertain significance for DiGeorge syndrome. Last evaluated: 2022-09-27. Review status: criteria provided, single submitter. Criteria: Invitae Variant Classification Sherloc (09022015). Collection method: clinical testing. Allele origin: germline.
Comment: In summary, the available evidence is currently insufficient to determine the role of this variant in disease. Therefore, it has been classified as a Variant of Uncertain Significance. Experimental studies and prediction algorithms are not available or were not evaluated, and the functional significance of this variant is currently unknown. This variant has not been reported in the literature in individuals affected with TBX1-related conditions. Information on the frequency of this variant in the gnomAD database is not available, as this variant may be reported differently in the database. This sequence change replaces alanine, which is neutral and non-polar, with asparagine, which is neutral and polar, at codon 84 of the TBX1 protein (p.Ala84Asn).